The following is an entry in ClinVar:

ClinVar aggregate classification (germline): Likely pathogenic. Review status: reviewed by expert panel (3 of 4 stars). 17 submissions from 17 submitters: Likely pathogenic (1). 16 of the submissions do not count toward it. Last evaluated 2018-10-18.

Conditions:
Hereditary nonpolyposis colorectal neoplasms. Identifiers: MedGen C0009405, MeSH D003123.
Hereditary nonpolyposis colon cancer (HNPCC). Also called: Hereditary nonpolyposis colorectal cancer; Familial nonpolyposis colon cancer; Hereditary Nonpolyposis Colorectal Cancer Syndrome. Identifiers: Orphanet 443909, MedGen C1333990, MONDO:0018630. Disease mechanism: loss of function.
Hereditary cancer-predisposing syndrome. Also called: Neoplastic Syndromes, Hereditary; Tumor predisposition; Hereditary Cancer Syndrome; Hereditary neoplastic syndrome. Identifiers: Orphanet 140162, MedGen C0027672, MeSH D009386, MONDO:0015356.
Mismatch repair cancer syndrome 1 (MMRCS1). Also called: MISMATCH REPAIR DEFICIENCY; MMR DEFICIENCY; BRAIN TUMOR-POLYPOSIS SYNDROME 1; BTP1 SYNDROME; CHILDHOOD CANCER SYNDROME. Identifiers: Orphanet 252202, MedGen C5399763, MONDO:0010159, OMIM 276300. Disease mechanism: loss of function.
Lynch syndrome 4 (LYNCH4). Also called: Colorectal cancer, hereditary nonpolyposis, type 4; Hereditary non-polyposis colorectal cancer, type 4. Identifiers: Orphanet 144, MedGen C1838333, MONDO:0013699, OMIM 614337. Disease mechanism: loss of function.
Lynch syndrome. Identifiers: Orphanet 144, MedGen C4552100, MONDO:0005835. Disease mechanism: loss of function.

Allele frequency attached by ClinVar (database versions not stated): gnomAD 0.00002; ExAC 0.00003; gnomAD exomes 0.00001; TOPMed 0.00001.

Submissions 1 to 7 of 17:

International Society for Gastrointestinal Hereditary Tumours (InSiGHT)
Classification: Likely pathogenic for Lynch syndrome. Last evaluated: 2018-10-18. Review status: reviewed by expert panel. Criteria: Guidelines v2.4. Collection method: curation. Allele origin: germline. Affected: yes.
Comment: Abrogated MMR activity in 2 independent labs, 4 MSI-H/IHC loss tumors, MAF<0.01, 1 Ams family with 2 non-proband affected carriers.

Women's Health and Genetics/Laboratory Corporation of America, LabCorp
Classification: Pathogenic for Hereditary nonpolyposis colon cancer. Last evaluated: 2025-10-09. Review status: criteria provided, single submitter. Criteria: LabCorp Variant Classification Summary - May 2015. Collection method: clinical testing. Allele origin: germline. Not counted in ClinVar's aggregate classification.
Comment: Variant summary: PMS2 c.2444C>T (p.Ser815Leu) results in a non-conservative amino acid change in the encoded protein sequence. Algorithms developed to predict the effect of missense changes on protein structure and function all suggest that this variant is likely to be disruptive. Consensus agreement among computation tools predict no significant impact on normal splicing. However, these predictions have yet to be confirmed by functional studies. The variant allele was found at a frequency of 1e-05 in 199430 control chromosomes. c.2444C>T has been observed in individuals affected with colorectal cancer and other Lynch Syndrome-related cancers, including individuals who met Bethesda or Amsterdam II criteria and at least one family where the variant co-segregated with disease (e.g. Brea-Fernandez_2013 , Gonzalez-Acosta_2017, van der Klift_2016). The variant has also reported as a biallelic genotype in individuals with constitutional mismatch repair deficiency (Suerink_2017, Mishra_2022). These data indicate that the variant is very likely to be associated with disease. Publications report experimental evidence evaluating an impact on protein function and found that this variant significantly reduces mismatch repair activity and protein expression in vitro (e.g. Gonzalez-Acosta_2017, van der Klift_2016). The following publications have been ascertained in the context of this evaluation (PMID: 22290698, 23837913, 28365877, 28503822, 27435373, 35532657). ClinVar contains an entry for this variant (Variation ID: 91343). Based on the evidence outlined above, the variant was classified as pathogenic.

Labcorp Genetics (formerly Invitae), Labcorp
Classification: Pathogenic for Hereditary nonpolyposis colorectal neoplasms. Last evaluated: 2025-09-25. Review status: criteria provided, single submitter. Criteria: Invitae Variant Classification Sherloc (09022015). Collection method: clinical testing. Allele origin: germline. Not counted in ClinVar's aggregate classification.
Comment: This sequence change replaces serine, which is neutral and polar, with leucine, which is neutral and non-polar, at codon 815 of the PMS2 protein (p.Ser815Leu). The frequency data for this variant in the population databases (gnomAD) is considered unreliable due to the presence of homologous sequence, such as pseudogenes or paralogs, in the genome. This missense change has been observed in individuals with Lynch syndrome (PMID: 20186688, 23837913, 25512458, 26110232, 27435373, 28503822; internal data). It has also been observed to segregate with disease in related individuals. Invitae Evidence Modeling of clinical and family history, age, sex, and reported ancestry of multiple individuals with this PMS2 variant has been performed. This variant is expected to be pathogenic with a positive predictive value of at least 99%. This is a validated machine learning model that incorporates the clinical features of 1,627,235 individuals referred to our laboratory for PMS2 testing. ClinVar contains an entry for this variant (Variation ID: 91343). Invitae Evidence Modeling incorporating data from in vitro experimental studies (internal data) indicates that this missense variant is expected to disrupt PMS2 function with a positive predictive value of 95%. Experimental studies have shown that this missense change affects PMS2 function (PMID: 27435373, 28365877). For these reasons, this variant has been classified as Pathogenic.

Genetic Services Laboratory, University of Chicago
Classification: Likely pathogenic. Last evaluated: 2025-06-24. Review status: criteria provided, single submitter. Criteria: ACMG Guidelines, 2015. Collection method: clinical testing. Allele origin: germline. Not counted in ClinVar's aggregate classification.
Comment: The c.2444C>T variant: Results in an amino acid change, p.Ser815Leu. Affects a highly conserved amino acid residue located in a domain of the PMS2 protein that is known to be functional. Appears to be deleterious using several in-silico pathogenicity prediction tools. Has been previously described in several individuals with Lynch syndrome-associated cancers (PMID: 20186688, 23837913, 25512458, 26110232, 27435373, 28503822, 28365877, 30013564). Has also been reported in a homozygous state in child with no personal or family history of malignancies but with axillary freckling and a cafe-au-lait macule (PMID: 28503822). In vitro functional studies have demonstrated impaired mismatch repair activity and protein expression (PMID: 27435373, 28365877). Is reported in the gnomAD v4 database with a frequency of 0.0028% in the European subpopulation (dbSNP rs587779338). ClinVar contains an entry for this variant (Variation ID: 91343). Collectively, this evidence indicates that this variant is likely pathogenic.

Spanish MMR Variant Interpretation Working Group
Classification: Likely pathogenic for Hereditary cancer-predisposing syndrome. Last evaluated: 2025-05-05. Review status: criteria provided, single submitter. Criteria: ClinGen CRC ACMG Specifications PMS2 V1.0.0. Collection method: clinical testing. Allele origin: germline. Affected: yes. Not counted in ClinVar's aggregate classification.
Comment: The PMS2 variant c.2444C>T replaces serine with leucine at codon 815 of the PMS2 protein (p.(Ser815Leu)). The serine residue is highly conserved, and there is a large physicochemical difference between serine and leucine. It has an allele frequency of 0,0029% in the gnomAD v4.1.0 database, with a maximal credible allele frequency of 0.0045% (no criterion is met; the allele frequency data may be inaccurate due to possible PMS2CL pseudogene interference). It is a missense variant with a MAPP+PolyPhen-2 prior probability of pathogenicity of >0.81 (PP3_M), whereas SpliceAI, SSF, MaxEnt, NNSPLICE, and GeneSplicer algorithms suggest no impact on splicing. There are no other PAT/LPAT variants at the same residue. It has shown MMR deficiency in in vitro assays (Klift, 2016 PMID: 27435373 and González-Acosta PMID:28365877); odds of pathogenicity 20,98 (Rayner 2022, PMID 35451539) (PS3). This variant has been reported in homozygosity in an individual affected with CMMRD showing constitutional MSI (PMID: 28503822). Based on the available evidence, this variant is classified as Likely Pathogenic (Class 4).

Center for Genomic Medicine, Rigshospitalet, Copenhagen University Hospital
Classification: Likely pathogenic. Last evaluated: 2025-03-04. Review status: criteria provided, single submitter. Criteria: ACMG Guidelines, 2015. Collection method: clinical testing. Allele origin: germline. Not counted in ClinVar's aggregate classification.

Molecular Pathology, Peter Maccallum Cancer Centre
Classification: Likely pathogenic for Lynch syndrome 4. Last evaluated: 2025-02-05. Review status: criteria provided, single submitter. Criteria: ACMG Guidelines, 2015. Collection method: clinical testing. Allele origin: germline. Inheritance: Autosomal dominant inheritance. Not counted in ClinVar's aggregate classification.

NM_000535.7(PMS2):c.2444C>T (p.Ser815Leu)

Gene: PMS2 (PMS1 homolog 2, mismatch repair system component; minus strand). Cytogenetic location: 7p22.1.
Variant type: single nucleotide variant.
Coding change: c.2444C>T on transcript NM_000535.7 (MANE Select); coding-DNA position 2444, C replaced by T.
Protein change: p.Ser815Leu; replaces serine 815 with leucine.
Molecular consequence: missense variant. On other transcripts: non-coding transcript variant (1).
Genome position (GRCh38, 1-based): chr7:5,977,589, G>A on the plus strand (C>T on the coding strand, the complement: PMS2 is on the minus strand). VCF-style: chr7-5977589-G-A. GRCh37 (hg19) VCF-style: chr7-6017220-G-A.
Other names: c.2039C>T, p.Ser680Leu (NM_001322003.2, NM_001322004.2, NM_001322005.2); c.2288C>T, p.Ser763Leu (NM_001322006.2); c.2126C>T, p.Ser709Leu (NM_001322007.2, NM_001322008.2); c.2072C>T, p.Ser691Leu (NM_001322009.2); c.1883C>T, p.Ser628Leu (NM_001322010.2); c.1511C>T, p.Ser504Leu (NM_001322011.2, NM_001322012.2); c.1871C>T, p.Ser624Leu (NM_001322013.2); c.2477C>T, p.Ser826Leu (NM_001322014.2); and 1 more; short protein forms S815L, S709L, S763L, S504L, S628L, S680L, S691L, S712L.
Identifiers: ClinVar variation 91343 (VCV000091343.39), dbSNP rs587779338, ClinGen allele CA011500.